The following is an entry in ClinVar:

NM_004260.4(RECQL4):c.8_10dup (p.Arg3_Leu4insArg)

Genes: RECQL4 (RecQ like helicase 4; minus strand), LOC130001411 (ATAC-STARR-seq lymphoblastoid silent region 19699; plus strand). Cytogenetic location: 8q24.3.
Variant type: Duplication.
Coding change: c.8_10dup on transcript NM_004260.4 (MANE Select); coding-DNA positions 8 to 10, 3 bases duplicated (GGC; older notation c.8_10dupGGC).
Protein change: p.Arg3_Leu4insArg.
Molecular consequence: inframe insertion. On other transcripts: inframe indel (9).
Genome position (GRCh38, 1-based): chr8:144,517,775-144,517,777, GCC duplicated on the plus strand (GGC on the coding strand, the reverse complement: RECQL4 is on the minus strand); duplicating any 3 consecutive bases within chr8:144,517,775-144,517,779 gives the same sequence; the c. name uses the placement nearest the transcript's 3' end. VCF-style (leftmost placement, unchanged base first): chr8-144517774-A-AGCC. GRCh37 (hg19) VCF-style: chr8-145743158-A-AGCC.
Other names: c.6_8dup, p.Arg3_Leu4insArg (NM_001413017.1, NM_001413018.1, NM_001413019.1 and 6 more transcripts); c.-780_-778dup (NM_001413021.1); c.-1131_-1129dup (NM_001413022.1, NM_001413023.1, NM_001413037.1 and 2 more transcripts); c.-1028_-1026dup (NM_001413024.1); c.-1128_-1126dup (NM_001413027.1); c.-856_-854dup (NM_001413028.1); c.-1193_-1191dup (NM_001413030.1, NM_001413031.1, NM_001413041.1); c.-1025_-1023dup (NM_001413032.1); and 4 more.
Identifiers: ClinVar variation 2105733 (VCV002105733.4), dbSNP rs2538135229, ClinGen allele CA2580078829.

ClinVar aggregate classification (germline): Uncertain significance (1 of 4 stars; one submission).

Conditions:
Baller-Gerold syndrome (BGS). Also called: CRANIOSYNOSTOSIS WITH RADIAL DEFECTS. Identifiers: Orphanet 1225, MedGen C0265308, MONDO:0009039, OMIM 218600.

Submission:

Labcorp Genetics (formerly Invitae), Labcorp
Classification: Uncertain significance for Baller-Gerold syndrome. Last evaluated: 2022-03-02. Review status: criteria provided, single submitter. Criteria: Invitae Variant Classification Sherloc (09022015). Collection method: clinical testing. Allele origin: germline.
Comment: In summary, the available evidence is currently insufficient to determine the role of this variant in disease. Therefore, it has been classified as a Variant of Uncertain Significance. Experimental studies and prediction algorithms are not available or were not evaluated, and the functional significance of this variant is currently unknown. This variant has not been reported in the literature in individuals affected with RECQL4-related conditions. This variant is not present in population databases (gnomAD no frequency). This variant, c.8_10dup, results in the insertion of 1 amino acid(s) of the RECQL4 protein (p.Arg3dup), but otherwise preserves the integrity of the reading frame.